The following is an entry in ClinVar:

ClinVar aggregate classification (germline): Uncertain significance (1 of 4 stars; one submission).

Submission:

GeneDx
Classification: Uncertain significance. Last evaluated: 2019-05-05. Review status: criteria provided, single submitter. Criteria: GeneDx Variant Classification Process June 2021. Collection method: clinical testing. Allele origin: germline. Affected: yes.
Comment: Not observed in large population cohorts (Lek et al., 2016); Frameshift variant predicted to result in protein extension as the last 28 amino acids are lost and replaced with 31 incorrect amino acids; Has not been previously published as pathogenic or benign to our knowledge

NM_001127222.2(CACNA1A):c.6696dup (p.Pro2233fs)

Gene: CACNA1A (calcium voltage-gated channel subunit alpha1 A; minus strand). Cytogenetic location: 19p13.13.
Variant type: Duplication.
Coding change: c.6696dup on transcript NM_001127222.2 (MANE Select); coding-DNA position 6696, one base duplicated (G; older notation c.6696dupG).
Protein change: p.Pro2233fs; shifts the reading frame from proline 2233.
Molecular consequence: frameshift variant.
Genome position (GRCh38, 1-based): chr19:13,208,840, C duplicated on the plus strand (G on the coding strand, the reverse complement: CACNA1A is on the minus strand); the first of 2 consecutive C bases (chr19:13,208,840-13,208,841); duplicating either gives the same sequence. VCF-style (leftmost placement, unchanged base first): chr19-13208839-G-GC. GRCh37 (hg19) VCF-style: chr19-13319653-G-GC.
Other names: c.6714dup, p.Pro2239fs (NM_000068.4, NM_023035.3); c.6699dup, p.Pro2234fs (NM_001127221.2); c.6705dup, p.Pro2236fs (NM_001174080.2); short protein forms P2233fs, P2234fs, P2236fs, P2239fs.
Identifiers: ClinVar variation 1305586 (VCV001305586.2), dbSNP rs2144501188, ClinGen allele CA2573054725.
Genomic context (GRCh38, chr19:13,208,839, plus strand): 5'-GGCCCTCGCTGGGCGAGCGGGACCAGCGCTGGTCCCGAGCCCGTGCCCGGCCGTGGTCCG[G>GC]CCGTTCCTGGGCATAGCGGTCCTTGTCGGGGGGCGGGGGATGGTGGTGGTGGTGGTGGTG-3'